The following is an entry in ClinVar:

ClinVar aggregate classification (germline): Conflicting classifications of pathogenicity. Review status: criteria provided, conflicting classifications (1 of 4 stars). 12 submissions from 8 submitters: Uncertain significance (9); Benign (2); Likely benign (1). Last evaluated 2026-02-22.

Conditions:
TTN-related disorder. Also called: TTN-related condition; TTN-related disease; TTN-related disorders.
Cardiovascular phenotype. Identifiers: MedGen CN230736.
Autosomal recessive limb-girdle muscular dystrophy type 2J (LGMDR10). Also called: Limb-girdle muscular dystrophy, type 2J; MUSCULAR DYSTROPHY, LIMB-GIRDLE, AUTOSOMAL RECESSIVE 10. Identifiers: Orphanet 140922, MedGen C1837342, MONDO:0012127, OMIM 608807.
Dilated cardiomyopathy 1G (CMD1G). Identifiers: Orphanet 154, MedGen C1858763, MONDO:0011400, OMIM 604145.
Brugada syndrome. Also called: Sudden Unexplained Death Syndrome; Sudden Unexplained Nocturnal Death Syndrome (SUNDS); Sudden unexpected nocturnal death syndrome; Sudden unexplained nocturnal death syndrome. Identifiers: Orphanet 130, MedGen C1142166, MONDO:0015263.
Myopathy, myofibrillar, 9, with early respiratory failure (MFM9). Also called: Hereditary myopathy with early respiratory failure; EDSTROM MYOPATHY; MYOPATHY, PROXIMAL, WITH EARLY RESPIRATORY MUSCLE INVOLVEMENT; Myopathy, distal, with early respiratory failure, autosomal dominant. Identifiers: Orphanet 178464, Orphanet 34521, MedGen C1863599, MONDO:0011362, OMIM 603689.
Early-onset myopathy with fatal cardiomyopathy (CMYO5). Also called: Salih Myopathy; CONGENITAL MYOPATHY 5 WITH CARDIOMYOPATHY. Identifiers: Orphanet 289377, MedGen C2673677, MONDO:0012714, OMIM 611705. Disease mechanism: loss of function.
Tibial muscular dystrophy (TMD). Also called: Tibial muscular dystrophy, tardive; UDD MYOPATHY; Udd Distal Myopathy – Tibial Muscular Dystrophy. Identifiers: Orphanet 609, MedGen C1838244, MONDO:0010870, OMIM 600334.

Allele frequency attached by ClinVar (database versions not stated): gnomAD 0.00014; TOPMed 0.00026; 1000 Genomes Project 0.00040; 1000 Genomes Project 30x 0.00047.
gnomAD v4.1: 98 of 1,613,340 alleles (0.0061%); highest among the groups gnomAD compares: Admixed American, 0.095%; no homozygotes.

Submissions (12):

PreventionGenetics, part of Exact Sciences
Classification: Uncertain significance for TTN-related condition. Last evaluated: 2026-02-22. Review status: criteria provided, single submitter. Criteria: ACMG Guidelines, 2015. Collection method: clinical testing. Allele origin: germline.
Comment: The TTN c.83870G>C variant is predicted to result in the amino acid substitution p.Arg27957Thr. This variant has been reported as a variant of uncertain significance in a cohort of individuals with hypertrophic cardiomyopathy (described as p.Arg25389Thr in Table S2, Mademont-Soler et al. 2017. PubMed ID: 28771489). This variant is reported in 0.087% of alleles in individuals of Latino descent in gnomAD. Although we suspect that this variant may be benign, at this time, the clinical significance of this variant is uncertain due to the absence of conclusive functional and genetic evidence.

Ambry Genetics
Classification: Uncertain significance for Cardiovascular phenotype. Last evaluated: 2019-02-08. Review status: criteria provided, single submitter. Criteria: Ambry Variant Classification Scheme 2023. Collection method: clinical testing. Allele origin: germline.
Comment: The p.R18892T variant (also known as c.56675G>C), located in coding exon 153 of the TTN gene, results from a G to C substitution at nucleotide position 56675. The arginine at codon 18892 is replaced by threonine, an amino acid with similar properties. This amino acid position is poorly conserved in available vertebrate species. In addition, this alteration is predicted to be benign and unknown by PolyPhen and SIFT in silico analyses, respectively. Since supporting evidence is conflicting at this time, the clinical significance of this alteration remains unclear.

GeneDx
Classification: Likely benign. Last evaluated: 2019-01-23. Review status: criteria provided, single submitter. Criteria: GeneDx Variant Classification Process June 2021. Collection method: clinical testing. Allele origin: germline. Affected: yes.
Comment: This variant is associated with the following publications: (PMID: 28771489)

Center for Advanced Laboratory Medicine, UC San Diego Health, University of California San Diego
Classification: Uncertain significance for Brugada syndrome. Last evaluated: 2018-02-27. Review status: criteria provided, single submitter. Criteria: ACMG Guidelines, 2015. Collection method: clinical testing. Allele origin: germline. Affected: yes. Observed: 1 variant allele.

Illumina Laboratory Services, Illumina
Classification: Uncertain significance for Dilated cardiomyopathy 1G. Last evaluated: 2018-01-13. Review status: criteria provided, single submitter. Criteria: ICSL Variant Classification Criteria 13 December 2019. Collection method: clinical testing. Allele origin: germline.

Illumina Laboratory Services, Illumina
Classification: Uncertain significance for Early-onset myopathy with fatal cardiomyopathy. Last evaluated: 2018-01-13. Review status: criteria provided, single submitter. Criteria: ICSL Variant Classification Criteria 13 December 2019. Collection method: clinical testing. Allele origin: germline.

Illumina Laboratory Services, Illumina
Classification: Benign for Myopathy, myofibrillar, 9, with early respiratory failure. Last evaluated: 2018-01-13. Review status: criteria provided, single submitter. Criteria: ICSL Variant Classification Criteria 13 December 2019. Collection method: clinical testing. Allele origin: germline.
Comment: This variant was observed in the ICSL laboratory as part of a predisposition screen in an ostensibly healthy population. It had not been previously curated by ICSL or reported in the Human Gene Mutation Database (HGMD: prior to June 1st, 2018), and was therefore a candidate for classification through an automated scoring system. Utilizing variant allele frequency, disease prevalence and penetrance estimates, and inheritance mode, an automated score was calculated to assess if this variant is too frequent to cause the disease. Based on the score and internal cut-off values, a variant classified as benign is not then subjected to further curation. The score for this variant resulted in a classification of benign for this disease.

Illumina Laboratory Services, Illumina
Classification: Benign for Tibial muscular dystrophy. Last evaluated: 2018-01-13. Review status: criteria provided, single submitter. Criteria: ICSL Variant Classification Criteria 13 December 2019. Collection method: clinical testing. Allele origin: germline.
Comment: the same text as in the submission from Illumina Laboratory Services, Illumina above.

Illumina Laboratory Services, Illumina
Classification: Uncertain significance for Autosomal recessive limb-girdle muscular dystrophy type 2J. Last evaluated: 2018-01-13. Review status: criteria provided, single submitter. Criteria: ICSL Variant Classification Criteria 13 December 2019. Collection method: clinical testing. Allele origin: germline.

Eurofins Ntd Llc (ga)
Classification: Uncertain significance. Last evaluated: 2017-12-28. Review status: criteria provided, single submitter. Criteria: EGL Classification Definitions 2015. Collection method: clinical testing. Allele origin: germline. Observed: 2 variant alleles, 2 heterozygotes.

Labcorp Genetics (formerly Invitae), Labcorp
Classification: Uncertain significance for Dilated cardiomyopathy 1G; Autosomal recessive limb-girdle muscular dystrophy type 2J. Last evaluated: 2016-10-12. Review status: criteria provided, single submitter. Criteria: Invitae Variant Classification Sherloc (09022015). Collection method: clinical testing. Allele origin: germline.

Laboratory for Molecular Medicine, Mass General Brigham Personalized Medicine
Classification: Uncertain significance. Last evaluated: 2012-10-03. Review status: criteria provided, single submitter. Criteria: LMM Criteria. Collection method: clinical testing. Allele origin: germline. Observed: 1 variant allele.
Comment: The Arg25389Thr variant in TTN has not been reported in the literature nor previ ously identified by our laboratory. The affected amino acid is not well conserve d in evolution, suggesting that a change at this position would be tolerated. O ther computational analyses (biochemical amino acid properties, AlignGVGD, PolyP hen2, and SIFT) do not provide strong support for or against an impact to the pr otein. Additional studies are needed to fully assess the clinical significance o f this variant.

NM_001267550.2(TTN):c.83870G>C (p.Arg27957Thr)

Genes: TTN (titin; minus strand), TTN-AS1 (TTN antisense RNA 1; plus strand). Cytogenetic location: 2q31.2.
Variant type: single nucleotide variant.
Coding change: c.83870G>C on transcript NM_001267550.2 (MANE Select); coding-DNA position 83870, G replaced by C.
Protein change: p.Arg27957Thr; replaces arginine 27957 with threonine.
Molecular consequence: missense variant.
Genome position (GRCh38, 1-based): chr2:178,562,262, C>G on the plus strand (G>C on the coding strand, the complement: TTN is on the minus strand). VCF-style: chr2-178562262-C-G. GRCh37 (hg19) VCF-style: chr2-179426989-C-G.
Other names: p.R26316T:AGG>ACG; c.78947G>C, p.Arg26316Thr (NM_001256850.1); c.76166G>C, p.Arg25389Thr (NM_133378.4); c.56675G>C, p.Arg18892Thr (NM_003319.4); c.57050G>C, p.Arg19017Thr (NM_133432.3); c.57251G>C, p.Arg19084Thr (NM_133437.4); short protein forms R27957T, R25389T, R26316T, R19017T, R19084T, R18892T.
Identifiers: ClinVar variation 47430 (VCV000047430.33), dbSNP rs148067743, ClinGen allele CA140968.